The following is an entry in ClinVar:

ClinVar aggregate classification (germline): Likely benign. Review status: criteria provided, multiple submitters, no conflicts (2 of 4 stars). 2 submissions from 2 submitters: Likely benign (2). Last evaluated 2025-09-12.

Conditions:
Meckel-Gruber syndrome. Also called: DYSENCEPHALIA SPLANCHNOCYSTICA; Dysencephalia splachnocystica; GRUBER SYNDROME. Identifiers: Orphanet 564, MedGen C0265215, MONDO:0018921.
Joubert syndrome. Also called: Familial aplasia of the vermis; JOUBERT-BOLTSHAUSER SYNDROME. Identifiers: Orphanet 475, MedGen C5979921, MONDO:0018772.
Nephronophthisis. Also called: Juvenile Nephronophthisis. Identifiers: Orphanet 655, MedGen C0687120, MONDO:0019005, HP:0000090.
CEP290-related disorder. Also called: CEP290-related condition; CEP290-related disorders. Identifiers: MedGen CN239314.

Submissions (2):

PreventionGenetics, part of Exact Sciences
Classification: Likely benign for CEP290-related condition. Last evaluated: 2025-09-12. Review status: criteria provided, single submitter. Criteria: ACMG Guidelines, 2015. Collection method: clinical testing. Allele origin: germline.
Comment: This variant is classified as likely benign based on ACMG/AMP sequence variant interpretation guidelines (Richards et al. 2015 PMID: 25741868, with internal and published modifications).

Labcorp Genetics (formerly Invitae), Labcorp
Classification: Likely benign for Joubert syndrome; Meckel-Gruber syndrome; Nephronophthisis. Last evaluated: 2025-06-16. Review status: criteria provided, single submitter. Criteria: Invitae Variant Classification Sherloc (09022015). Collection method: clinical testing. Allele origin: germline.

NM_025114.4(CEP290):c.504T>C (p.Arg168=)

Gene: CEP290 (centrosomal protein 290; minus strand). Cytogenetic location: 12q21.32.
Variant type: single nucleotide variant.
Coding change: c.504T>C on transcript NM_025114.4 (MANE Select); coding-DNA position 504, T replaced by C.
Protein change: p.Arg168=; no amino-acid change (arginine 168 retained).
Molecular consequence: synonymous variant.
Genome position (GRCh38, 1-based): chr12:88,130,557, A>G on the plus strand (T>C on the coding strand, the complement: CEP290 is on the minus strand). VCF-style: chr12-88130557-A-G. GRCh37 (hg19) VCF-style: chr12-88524334-A-G.
Other names: c.504T>C (NM_025114.3).
Identifiers: ClinVar variation 1145251 (VCV001145251.13), dbSNP rs2138101728, ClinGen allele CA481053796.